The following is an entry in ClinVar:

ClinVar aggregate classification (germline): Uncertain significance (1 of 4 stars; one submission).

gnomAD v4.1: 1 of 1,614,240 alleles (0.000062%); highest among the groups gnomAD compares: South Asian, 0.0011%; no homozygotes.

Submission:

GeneDx
Classification: Uncertain significance. Last evaluated: 2025-04-25. Review status: criteria provided, single submitter. Criteria: GeneDx Variant Classification Process June 2021. Collection method: clinical testing. Allele origin: germline. Affected: yes.
Comment: Not observed at significant frequency in large population cohorts (gnomAD); In silico analysis indicates that this missense variant does not alter protein structure/function; Has not been previously published as pathogenic or benign to our knowledge

NM_004369.4(COL6A3):c.2255C>A (p.Ala752Asp)

Gene: COL6A3 (collagen type VI alpha 3 chain; minus strand). Cytogenetic location: 2q37.3.
Variant type: single nucleotide variant.
Coding change: c.2255C>A on transcript NM_004369.4 (MANE Select); coding-DNA position 2255, C replaced by A.
Protein change: p.Ala752Asp; replaces alanine 752 with aspartic acid.
Molecular consequence: missense variant. On other transcripts: intron variant (1).
Genome position (GRCh38, 1-based): chr2:237,378,878, G>T on the plus strand (C>A on the coding strand, the complement: COL6A3 is on the minus strand). VCF-style: chr2-237378878-G-T. GRCh37 (hg19) VCF-style: chr2-238287521-G-T.
Other names: c.1637C>A, p.Ala546Asp (NM_057167.4, NM_057165.5); c.677-1534C>A (NM_057166.5); c.1034C>A, p.Ala345Asp (NM_057164.5); short protein forms A345D, A546D, A752D.
Identifiers: ClinVar variation 4527710 (VCV004527710.1).